The following is an entry in ClinVar:

ClinVar aggregate classification (germline): Uncertain significance (1 of 4 stars; one submission).

Conditions:
Fanconi anemia (FA). Also called: Fanconi's anemia. Identifiers: Orphanet 84, MedGen C0015625, MeSH D005199, MONDO:0019391.

Submission:

Labcorp Genetics (formerly Invitae), Labcorp
Classification: Uncertain significance for Fanconi anemia. Last evaluated: 2021-08-15. Review status: criteria provided, single submitter. Criteria: Invitae Variant Classification Sherloc (09022015). Collection method: clinical testing. Allele origin: germline.
Comment: This sequence change replaces serine with arginine at codon 407 of the FANCI protein (p.Ser407Arg). The serine residue is weakly conserved and there is a moderate physicochemical difference between serine and arginine. This variant is not present in population databases (ExAC no frequency). This variant has not been reported in the literature in individuals affected with FANCI-related conditions. Algorithms developed to predict the effect of missense changes on protein structure and function are either unavailable or do not agree on the potential impact of this missense change (SIFT: "Tolerated"; PolyPhen-2: "Possibly Damaging"; Align-GVGD: "Class C0"). In summary, the available evidence is currently insufficient to determine the role of this variant in disease. Therefore, it has been classified as a Variant of Uncertain Significance.

NM_001113378.2(FANCI):c.1221C>G (p.Ser407Arg)

Gene: FANCI (FA complementation group I; plus strand). Cytogenetic location: 15q26.1.
Variant type: single nucleotide variant.
Coding change: c.1221C>G on transcript NM_001113378.2 (MANE Select); coding-DNA position 1221, C replaced by G.
Protein change: p.Ser407Arg; replaces serine 407 with arginine.
Molecular consequence: missense variant.
Genome position (GRCh38, 1-based): chr15:89,276,819, C>G. VCF-style: chr15-89276819-C-G. GRCh37 (hg19) VCF-style: chr15-89820050-C-G.
Other names: c.942C>G, p.Ser314Arg (NM_001376910.1); c.1221C>G, p.Ser407Arg (NM_001376911.1, NM_018193.3); short protein forms S314R, S407R.
Identifiers: ClinVar variation 1389562 (VCV001389562.3), dbSNP rs2151486786, ClinGen allele CA393742328.